The following is an entry in ClinVar:

NM_000428.3(LTBP2):c.1132A>C (p.Thr378Pro)

Gene: LTBP2 (latent transforming growth factor beta binding protein 2; minus strand). Cytogenetic location: 14q24.3.
Variant type: single nucleotide variant.
Coding change: c.1132A>C on transcript NM_000428.3 (MANE Select); coding-DNA position 1132, A replaced by C.
Protein change: p.Thr378Pro; replaces threonine 378 with proline.
Molecular consequence: missense variant.
Genome position (GRCh38, 1-based): chr14:74,552,952, T>G on the plus strand (A>C on the coding strand, the complement: LTBP2 is on the minus strand). VCF-style: chr14-74552952-T-G. GRCh37 (hg19) VCF-style: chr14-75019655-T-G.
Other names: short protein forms T378P.
Identifiers: ClinVar variation 314312 (VCV000314312.8), dbSNP rs200471693, ClinGen allele CA7269983.

ClinVar aggregate classification (germline): Uncertain significance. Review status: criteria provided, multiple submitters, no conflicts (2 of 4 stars). 3 submissions from 2 submitters: Uncertain significance (3). Last evaluated 2021-12-03.

Conditions:
Weill-Marchesani syndrome. Also called: WM Syndrome; Mesodermal dysmorphodystrophy congenital. Identifiers: Orphanet 3449, MedGen C0265313, MONDO:0018096.
Glaucoma 3, primary congenital, D. Identifiers: Orphanet 98976, MedGen C2751316, MONDO:0013122, OMIM 613086.

Allele frequency attached by ClinVar (database versions not stated): ExAC 0.00001; gnomAD 0.00001 and 0.00002; gnomAD exomes 0.00001; TOPMed 0.00001; 1000 Genomes Project 0.00040; 1000 Genomes Project 30x 0.00047.
gnomAD v4.1: 14 of 1,614,036 alleles (0.00087%); highest among the groups gnomAD compares: East Asian, 0.031%; no homozygotes.

Submissions (3):

Labcorp Genetics (formerly Invitae), Labcorp
Classification: Uncertain significance. Last evaluated: 2021-12-03. Review status: criteria provided, single submitter. Criteria: Invitae Variant Classification Sherloc (09022015). Collection method: clinical testing. Allele origin: germline.
Comment: This variant has not been reported in the literature in individuals affected with LTBP2-related conditions. This variant is present in population databases (rs200471693, gnomAD 0.02%). This sequence change replaces threonine, which is neutral and polar, with proline, which is neutral and non-polar, at codon 378 of the LTBP2 protein (p.Thr378Pro). ClinVar contains an entry for this variant (Variation ID: 314312). In summary, the available evidence is currently insufficient to determine the role of this variant in disease. Therefore, it has been classified as a Variant of Uncertain Significance. Algorithms developed to predict the effect of missense changes on protein structure and function are either unavailable or do not agree on the potential impact of this missense change (SIFT: "Deleterious"; PolyPhen-2: "Probably Damaging"; Align-GVGD: "Class C0").

Illumina Laboratory Services, Illumina
Classification: Uncertain significance for Glaucoma 3, primary congenital, D. Last evaluated: 2018-01-13. Review status: criteria provided, single submitter. Criteria: ICSL Variant Classification Criteria 13 December 2019. Collection method: clinical testing. Allele origin: germline.

Illumina Laboratory Services, Illumina
Classification: Uncertain significance for Weill-Marchesani syndrome. Last evaluated: 2018-01-13. Review status: criteria provided, single submitter. Criteria: ICSL Variant Classification Criteria 13 December 2019. Collection method: clinical testing. Allele origin: germline.